The following is an entry in ClinVar:

ClinVar aggregate classification (germline): Uncertain significance (1 of 4 stars; one submission).

Submission:

Ambry Genetics
Classification: Uncertain significance. Last evaluated: 2023-05-19. Review status: criteria provided, single submitter. Criteria: Ambry Variant Classification Scheme 2023. Collection method: clinical testing. Allele origin: germline.
Comment: The p.G331D variant (also known as c.992G>A), located in coding exon 4 of the TMPO gene, results from a G to A substitution at nucleotide position 992. The glycine at codon 331 is replaced by aspartic acid, an amino acid with similar properties. This amino acid position is conserved. In addition, this alteration is predicted to be tolerated by in silico analysis. Since supporting evidence is limited at this time, the clinical significance of this alteration remains unclear.

NM_001032283.3(TMPO):c.565+1411G>A

Gene: TMPO (thymopoietin; plus strand). Cytogenetic location: 12q23.1.
Variant type: single nucleotide variant.
Coding change: c.565+1411G>A on transcript NM_001032283.3 (MANE Select); 1411 bases into the intron after coding-DNA position 565, G replaced by A.
Molecular consequence: intron variant. On other transcripts: missense variant (1).
Genome position (GRCh38, 1-based): chr12:98,533,249, G>A. VCF-style: chr12-98533249-G-A. GRCh37 (hg19) VCF-style: chr12-98927027-G-A.
Other names: c.992G>A, p.Gly331Asp (NM_003276.2); c.565+1411G>A (NM_001307975.2, NM_001032284.3); short protein forms G331D.
Identifiers: ClinVar variation 2562962 (VCV002562962.2), dbSNP rs1465200833, ClinGen allele CA386152245.